The following is an entry in ClinVar:

ClinVar aggregate classification (germline): Uncertain significance (1 of 4 stars; one submission).

Conditions:
Rhabdoid tumor predisposition syndrome 2 (RTPS2). Identifiers: Orphanet 231108, Orphanet 69077, MedGen C2750074, MONDO:0013224, OMIM 613325.

Submission:

Labcorp Genetics (formerly Invitae), Labcorp
Classification: Uncertain significance for Rhabdoid tumor predisposition syndrome 2. Last evaluated: 2021-09-09. Review status: criteria provided, single submitter. Criteria: Invitae Variant Classification Sherloc (09022015). Collection method: clinical testing. Allele origin: germline.
Comment: Algorithms developed to predict the effect of missense changes on protein structure and function (SIFT, PolyPhen-2, Align-GVGD) all suggest that this variant is likely to be disruptive. This variant has not been reported in the literature in individuals affected with SMARCA4-related conditions. This variant is not present in population databases (ExAC no frequency). This sequence change replaces lysine with arginine at codon 835 of the SMARCA4 protein (p.Lys835Arg). The lysine residue is highly conserved and there is a small physicochemical difference between lysine and arginine. In summary, the available evidence is currently insufficient to determine the role of this variant in disease. Therefore, it has been classified as a Variant of Uncertain Significance.

NM_003072.5(SMARCA4):c.2504A>G (p.Lys835Arg)

Gene: SMARCA4 (SWI/SNF related BAF chromatin remodeling complex subunit ATPase 4; plus strand). Cytogenetic location: 19p13.2.
Variant type: single nucleotide variant.
Coding change: c.2504A>G on transcript NM_003072.5 (MANE Select); coding-DNA position 2504, A replaced by G.
Protein change: p.Lys835Arg; replaces lysine 835 with arginine.
Molecular consequence: missense variant. On other transcripts: non-coding transcript variant (1).
Genome position (GRCh38, 1-based): chr19:11,019,022, A>G. VCF-style: chr19-11019022-A-G. GRCh37 (hg19) VCF-style: chr19-11129698-A-G.
Other names: c.2504A>G, p.Lys835Arg (NM_001128844.3, NM_001128845.2, NM_001128846.2 and 5 more transcripts); short protein forms K835R.
Identifiers: ClinVar variation 1366292 (VCV001366292.6), dbSNP rs2089625509, ClinGen allele CA404053776.